The following is an entry in ClinVar:

ClinVar aggregate classification (germline): Pathogenic (1 of 4 stars; one submission).

Submission:

Labcorp Genetics (formerly Invitae), Labcorp
Classification: Pathogenic. Last evaluated: 2023-04-06. Review status: criteria provided, single submitter. Criteria: Invitae Variant Classification Sherloc (09022015). Collection method: clinical testing. Allele origin: germline.
Comment: For these reasons, this variant has been classified as Pathogenic. This variant has not been reported in the literature in individuals affected with SPEG-related conditions. This variant is not present in population databases (gnomAD no frequency). This sequence change creates a premature translational stop signal (p.Ile1451Serfs*4) in the SPEG gene. It is expected to result in an absent or disrupted protein product. Loss-of-function variants in SPEG are known to be pathogenic (PMID: 19118250, 25087613).

Literature cited by the submitters: PubMed 19118250; PubMed 25087613.

NM_005876.5(SPEG):c.4350del (p.Ile1451fs)

Gene: SPEG (striated muscle enriched protein kinase; plus strand). Cytogenetic location: 2q35.
Variant type: Deletion.
Coding change: c.4350del on transcript NM_005876.5 (MANE Select); coding-DNA position 4350, one base deleted (G; older notation c.4350delG).
Protein change: p.Ile1451fs; shifts the reading frame from isoleucine 1451.
Molecular consequence: frameshift variant.
Genome position (GRCh38, 1-based): chr2:219,473,806, G deleted; the last of 2 consecutive G bases (chr2:219,473,805-219,473,806); deleting either gives the same sequence. VCF-style (leftmost placement, unchanged base first): chr2-219473804-CG-C. GRCh37 (hg19) VCF-style: chr2-220338526-CG-C.
Other names: short protein forms I1451fs.
Identifiers: ClinVar variation 2852715 (VCV002852715.3), dbSNP rs2545827443, ClinGen allele CA2739278915.